The following is an entry in ClinVar:

NM_000276.4(OCRL):c.1467-3C>G

Gene: OCRL (OCRL inositol polyphosphate-5-phosphatase; plus strand). Cytogenetic location: Xq26.1.
Variant type: single nucleotide variant.
Coding change: c.1467-3C>G on transcript NM_000276.4 (MANE Select); 3 bases into the intron before coding-DNA position 1467, C replaced by G.
Molecular consequence: intron variant.
Genome position (GRCh38, 1-based): chrX:129,569,261, C>G. VCF-style: chrX-129569261-C-G. GRCh37 (hg19) VCF-style: chrX-128703238-C-G.
Other names: c.1470-3C>G (NM_001318784.2); c.1467-3C>G (NM_001587.4).
Identifiers: ClinVar variation 664335 (VCV000664335.8), dbSNP rs779822028, ClinGen allele CA915952378.

ClinVar aggregate classification (germline): Uncertain significance (1 of 4 stars; one submission).

Conditions:
Lowe syndrome (OCRL). Also called: LOWE OCULOCEREBRORENAL SYNDROME; Oculocerebrorenal Syndrome; PHOSPHATIDYLINOSITOL 4,5-BISPHOSPHATE 5-PHOSPHATASE DEFICIENCY. Identifiers: Orphanet 534, MedGen C0028860, MONDO:0010645, OMIM 309000.

Submission:

Labcorp Genetics (formerly Invitae), Labcorp
Classification: Uncertain significance for Lowe syndrome. Last evaluated: 2018-12-11. Review status: criteria provided, single submitter. Criteria: Invitae Variant Classification Sherloc (09022015). Collection method: clinical testing. Allele origin: germline.
Comment: In summary, the available evidence is currently insufficient to determine the role of this variant in disease. Therefore, it has been classified as a Variant of Uncertain Significance. Algorithms developed to predict the effect of sequence changes on RNA splicing suggest that this variant may disrupt the consensus splice site, but this prediction has not been confirmed by published transcriptional studies. This variant has been observed in individuals affected with suspected Lowe syndrome (PMID: 21031565, Invitae). This variant is not present in population databases (ExAC no frequency). This sequence change falls in intron 14 of the OCRL gene. It does not directly change the encoded amino acid sequence of the OCRL protein.

Literature cited by the submitters: PubMed 21031565.